The following is an entry in ClinVar:

ClinVar aggregate classification (germline): Uncertain significance (1 of 4 stars; one submission).

Conditions:
Peroxisome biogenesis disorder. Identifiers: Orphanet 79189, MedGen C1832200, MONDO:0019234. Disease mechanism: loss of function.

Allele frequency attached by ClinVar (database versions not stated): gnomAD exomes below 0.00001; gnomAD 0.00001.
gnomAD v4.1: 2 of 1,614,078 alleles (0.00012%); highest among the groups gnomAD compares: African/African-American, 0.0013%; no homozygotes.

Submission:

Labcorp Genetics (formerly Invitae), Labcorp
Classification: Uncertain significance for Peroxisome biogenesis disorder. Last evaluated: 2024-11-11. Review status: criteria provided, single submitter. Criteria: Invitae Variant Classification Sherloc (09022015). Collection method: clinical testing. Allele origin: germline.
Comment: This sequence change replaces alanine, which is neutral and non-polar, with valine, which is neutral and non-polar, at codon 271 of the PEX6 protein (p.Ala271Val). This variant is not present in population databases (gnomAD no frequency). This variant has not been reported in the literature in individuals affected with PEX6-related conditions. ClinVar contains an entry for this variant (Variation ID: 2114112). Invitae Evidence Modeling of protein sequence and biophysical properties (such as structural, functional, and spatial information, amino acid conservation, physicochemical variation, residue mobility, and thermodynamic stability) indicates that this missense variant is not expected to disrupt PEX6 protein function with a negative predictive value of 95%. In summary, the available evidence is currently insufficient to determine the role of this variant in disease. Therefore, it has been classified as a Variant of Uncertain Significance.

NM_000287.4(PEX6):c.812C>T (p.Ala271Val)

Gene: PEX6 (peroxisomal biogenesis factor 6; minus strand). Cytogenetic location: 6p21.1.
Variant type: single nucleotide variant.
Coding change: c.812C>T on transcript NM_000287.4 (MANE Select); coding-DNA position 812, C replaced by T.
Protein change: p.Ala271Val; replaces alanine 271 with valine.
Molecular consequence: missense variant. On other transcripts: non-coding transcript variant (1), intron variant (1).
Genome position (GRCh38, 1-based): chr6:42,978,339, G>A on the plus strand (C>T on the coding strand, the complement: PEX6 is on the minus strand). VCF-style: chr6-42978339-G-A. GRCh37 (hg19) VCF-style: chr6-42946077-G-A.
Other names: c.618+194C>T (NM_001316313.2); short protein forms A271V.
Identifiers: ClinVar variation 2114112 (VCV002114112.3), dbSNP rs1770393815, ClinGen allele CA364161749.
Genomic context (GRCh38, chr6:42,978,339, plus strand): 5'-AGCTCTCCCATTTCCAGGGGGTCACAGCCAAGATTAAAAGCCAAAGTGGCAGGGACAAGC[G>A]CCAGTCCGTCAGCGAGGGGCTCTCCCAGCGGTCCAGAGCCGGGTCCCAGTCTATCAGAGA-3'
Protein context (NP_000278.3, residues 261-281): PLGEPLADGL[Ala271Val]LVPATLAFNL